The following is an entry in ClinVar:

NM_002693.3(POLG):c.392A>G (p.Tyr131Cys)

Genes: POLG (DNA polymerase gamma, catalytic subunit; minus strand), POLGARF (POLG alternative reading frame; minus strand). Cytogenetic location: 15q26.1.
Variant type: single nucleotide variant.
Coding change: c.392A>G on transcript NM_002693.3 (MANE Select); coding-DNA position 392, A replaced by G.
Protein change: p.Tyr131Cys; replaces tyrosine 131 with cysteine.
Molecular consequence: missense variant. On other transcripts: synonymous variant (1).
Genome position (GRCh38, 1-based): chr15:89,333,363, T>C on the plus strand (A>G on the coding strand, the complement: POLG is on the minus strand). VCF-style: chr15-89333363-T-C. GRCh37 (hg19) VCF-style: chr15-89876594-T-C.
Other names: c.447A>G, p.Leu149= (NM_001430120.1); c.392A>G, p.Tyr131Cys (NM_001126131.2); short protein forms Y131C.
Identifiers: ClinVar variation 3609982 (VCV003609982.2).

ClinVar aggregate classification (germline): Uncertain significance (1 of 4 stars; one submission).

Conditions:
Progressive sclerosing poliodystrophy (MTDPS4A). Also called: ALPERS PROGRESSIVE INFANTILE POLIODYSTROPHY; NEURONAL DEGENERATION OF CHILDHOOD WITH LIVER DISEASE, PROGRESSIVE; Alpers Syndrome; ALPERS DIFFUSE DEGENERATION OF CEREBRAL GRAY MATTER WITH HEPATIC CIRRHOSIS; Alpers-Huttenlocher Syndrome; Mitochondrial DNA depletion syndrome 4A (Alpers type). Identifiers: Orphanet 726, MedGen C0205710, MONDO:0008758, OMIM 203700.

gnomAD v4.1: 6 of 1,575,294 alleles (0.00038%); highest among the groups gnomAD compares: South Asian, 0.0023%; no homozygotes.

Submission:

Labcorp Genetics (formerly Invitae), Labcorp
Classification: Uncertain significance for Progressive sclerosing poliodystrophy. Last evaluated: 2024-05-23. Review status: criteria provided, single submitter. Criteria: Invitae Variant Classification Sherloc (09022015). Collection method: clinical testing. Allele origin: germline.
Comment: This sequence change replaces tyrosine, which is neutral and polar, with cysteine, which is neutral and slightly polar, at codon 131 of the POLG protein (p.Tyr131Cys). The frequency data for this variant in the population databases is considered unreliable, as metrics indicate poor data quality at this position in the gnomAD database. This missense change has been observed in individual(s) with Parkinson disease (PMID: 32613234). Advanced modeling of protein sequence and biophysical properties (such as structural, functional, and spatial information, amino acid conservation, physicochemical variation, residue mobility, and thermodynamic stability) has been performed at Invitae for this missense variant, however the output from this modeling did not meet the statistical confidence thresholds required to predict the impact of this variant on POLG protein function. In summary, the available evidence is currently insufficient to determine the role of this variant in disease. Therefore, it has been classified as a Variant of Uncertain Significance.

Literature cited by the submitters: PubMed 32613234.